The following is an entry in ClinVar:

NM_022124.6(CDH23):c.6242_6253+12del

Gene: CDH23 (cadherin related 23; plus strand). Cytogenetic location: 10q22.1.
Variant type: Deletion.
Coding change: c.6242_6253+12del on transcript NM_022124.6 (MANE Select); coding-DNA position 6242 through 12 bases into the intron after coding-DNA position 6253, 24 bases deleted (ACTGCCCGCCTGGTAAGCAGGGGA).
Molecular consequence: splice donor variant.
Genome position (GRCh38, 1-based): chr10:71,791,324-71,791,347, ACTGCCCGCCTGGTAAGCAGGGGA deleted; deleting any 24 consecutive bases within chr10:71,791,322-71,791,347 gives the same sequence; the c. name uses the placement nearest the transcript's 3' end. VCF-style (leftmost placement, unchanged base first): chr10-71791321-AGAACTGCCCGCCTGGTAAGCAGGG-A. GRCh37 (hg19) VCF-style: chr10-73551078-AGAACTGCCCGCCTGGTAAGCAGGG-A.
Identifiers: ClinVar variation 3601481 (VCV003601481.1).
Genomic context (GRCh38, chr10:71,791,321, plus strand): 5'-TGGATGACAATGACAACCGGCCCACCTTTAGCCCTGCCACCCTCACTGTCCATCTGCTAG[AGAACTGCCCGCCTGGTAAGCAGGG>A]GACAGGCCCCAGCACCCCACAACCAGGGGCCGGTTGGTGGTCACAGGGGACTGGAGCCTC-3'

ClinVar aggregate classification (germline): Likely pathogenic (1 of 4 stars; one submission).

Conditions:
Autosomal recessive nonsyndromic hearing loss 12. Also called: DEAFNESS, AUTOSOMAL RECESSIVE 12. Identifiers: Orphanet 90636, MedGen C1832394, MONDO:0011067, OMIM 601386.

Submission:

Institute of Rare Diseases, West China Hospital, Sichuan University
Classification: Likely pathogenic for Autosomal recessive nonsyndromic hearing loss 12. Last evaluated: 2025-01-09. Review status: criteria provided, single submitter. Criteria: ClinGen HL ACMG Specifications v1. Collection method: research. Allele origin: germline. Affected: yes.
Comment: PVS1;PM2_Supporting